The following is an entry in ClinVar:

ClinVar aggregate classification (germline): Pathogenic (1 of 4 stars; one submission).

Submission:

Labcorp Genetics (formerly Invitae), Labcorp
Classification: Pathogenic. Last evaluated: 2023-06-09. Review status: criteria provided, single submitter. Criteria: Invitae Variant Classification Sherloc (09022015). Collection method: clinical testing. Allele origin: unknown.
Comment: This variant results in a copy number gain of the genomic region encompassing exon(s) 30 of the UBR1 gene. While the exact position of this variant cannot be determined from the data, sub-genic copy number gains are generally in tandem (PMID: 25640679). This variant is predicted to be out-of-frame, and may result in an absent or disrupted protein product. Loss-of-function variants in UBR1 are known to be pathogenic (PMID: 24599544). For these reasons, this variant has been classified as Pathogenic. A similar copy number variant has been observed in individual(s) with Johanson-Blizzard syndrome (PMID: 29178640). In at least one individual the data is consistent with being in trans (on the opposite chromosome) from a pathogenic variant.

Literature cited by the submitters: PubMed 25640679; PubMed 24599544; PubMed 29178640.

NC_000015.9:g.(?_43299257)_(43299502_?)dup

Gene: UBR1 (ubiquitin protein ligase E3 component n-recognin 1; minus strand). Cytogenetic location: 15q15.2.
Variant type: Duplication.
Identifiers: ClinVar variation 3243926 (VCV003243926.1).